The following is an entry in ClinVar:

ClinVar aggregate classification (germline): Uncertain significance (1 of 4 stars; one submission).

Conditions:
Early-infantile DEE. Also called: Ohtahara syndrome; Early infantile epileptic encephalopathy with suppression bursts; Early infantile epileptic encephalopathy. Identifiers: Orphanet 1934, MedGen C0393706, MONDO:0800491.

Allele frequency attached by ClinVar (database versions not stated): TOPMed 0.00002.

Submission:

Labcorp Genetics (formerly Invitae), Labcorp
Classification: Uncertain significance for Early-infantile DEE. Last evaluated: 2025-06-19. Review status: criteria provided, single submitter. Criteria: Invitae Variant Classification Sherloc (09022015). Collection method: clinical testing. Allele origin: germline.
Comment: This sequence change replaces proline, which is neutral and non-polar, with arginine, which is basic and polar, at codon 120 of the ARHGEF15 protein (p.Pro120Arg). This variant is present in population databases (rs751244420, gnomAD 0.009%). This variant has not been reported in the literature in individuals affected with ARHGEF15-related conditions. ClinVar contains an entry for this variant (Variation ID: 530426). An algorithm developed to predict the effect of missense changes on protein structure and function outputs the following: PolyPhen-2: "Probably Damaging". The arginine amino acid residue is found in multiple mammalian species, which suggests that this missense change does not adversely affect protein function. In summary, the available evidence is currently insufficient to determine the role of this variant in disease. Therefore, it has been classified as a Variant of Uncertain Significance.

NM_173728.4(ARHGEF15):c.359C>G (p.Pro120Arg)

Gene: ARHGEF15 (Rho guanine nucleotide exchange factor 15; plus strand). Cytogenetic location: 17p13.1.
Variant type: single nucleotide variant.
Coding change: c.359C>G on transcript NM_173728.4 (MANE Select); coding-DNA position 359, C replaced by G.
Protein change: p.Pro120Arg; replaces proline 120 with arginine.
Molecular consequence: missense variant.
Genome position (GRCh38, 1-based): chr17:8,312,398, C>G. VCF-style: chr17-8312398-C-G. GRCh37 (hg19) VCF-style: chr17-8215716-C-G.
Other names: c.359C>G, p.Pro120Arg (NM_025014.2); short protein forms P120R.
Identifiers: ClinVar variation 530426 (VCV000530426.9), dbSNP rs751244420, ClinGen allele CA8374840.
Genomic context (GRCh38, chr17:8,312,398, plus strand): 5'-CTAGTCCAGTGTCCCGGCGCTCCGCCTCCCCAGAACCTGCTCCCCGGTCTCCAGTCCCCC[C>G]ACCCAAGCCGTCTGGGTCACCCTGCACGCCTCTGCTCCCCATGGCTGGAGTCCTGGCTCA-3'
Protein context (NP_776089.2, residues 110-130): PEPAPRSPVP[Pro120Arg]PKPSGSPCTP